The following is an entry in ClinVar:

NC_000023.11:g.18650592G>T

Genes: CDKL5 (cyclin dependent kinase like 5; plus strand), RS1 (retinoschisin 1; minus strand). Cytogenetic location: Xp22.13.
Variant type: single nucleotide variant.
Molecular consequence: intron variant (on NM_000330.4). On other transcripts: missense variant (2).
Genome position: GRCh38 VCF-style: chrX-18650592-G-T. GRCh37 (hg19) VCF-style: chrX-18668712-G-T.
Other names: c.2980G>T, p.Gly994Trp (NM_001037343.2, NM_003159.3); c.185-3260C>A (NM_000330.4); short protein forms G994W.
Identifiers: ClinVar variation 3748223 (VCV003748223.2).
Genomic context (GRCh38, chrX:18,650,592, plus strand): 5'-ATGTGCCCGACACTCCAGGTCCGAGGCACTGATGCTTTCAGCTGCCCAACCCAGCAATCC[G>T]GTAAGCAGAGACTCTAGACCGGTGGGGCTCAGCCTGGGCTGTACCTCGGAATTGCCCGAG-3'

ClinVar aggregate classification (germline): Uncertain significance (1 of 4 stars; one submission).

Conditions:
Developmental and epileptic encephalopathy, 2 (DEE2). Also called: CDKL5 deficiency disorder; INFANTILE SPASM SYNDROME, X-LINKED 2. Identifiers: Orphanet 1934, Orphanet 3451, Orphanet 505652, MedGen C4750718, MONDO:0010396, OMIM 300672.
Angelman syndrome-like. Identifiers: MedGen CN128785.

gnomAD v4.1: 10 of 1,210,071 alleles (0.00083%); highest among the groups gnomAD compares: African/African-American, 0.0017%; no homozygotes.

Submission:

Labcorp Genetics (formerly Invitae), Labcorp
Classification: Uncertain significance for Developmental and epileptic encephalopathy, 2; Angelman syndrome-like. Last evaluated: 2024-06-09. Review status: criteria provided, single submitter. Criteria: Invitae Variant Classification Sherloc (09022015). Collection method: clinical testing. Allele origin: germline.
Comment: This sequence change replaces glycine, which is neutral and non-polar, with tryptophan, which is neutral and slightly polar, at codon 994 of the CDKL5 protein (p.Gly994Trp). This variant also falls at the last nucleotide of exon 20, which is part of the consensus splice site for this exon. This variant is not present in population databases (gnomAD no frequency). This variant has not been reported in the literature in individuals affected with CDKL5-related conditions. An algorithm developed to predict the effect of missense changes on protein structure and function (PolyPhen-2) suggests that this variant is likely to be disruptive. Variants that disrupt the consensus splice site are a relatively common cause of aberrant splicing (PMID: 17576681, 9536098). Algorithms developed to predict the effect of sequence changes on RNA splicing suggest that this variant may disrupt the consensus splice site. In summary, the available evidence is currently insufficient to determine the role of this variant in disease. Therefore, it has been classified as a Variant of Uncertain Significance.

Literature cited by the submitters: PubMed 17576681; PubMed 9536098.